The following is an entry in ClinVar:

NM_001164665.2(KIAA1549):c.630G>A (p.Ser210=)

Gene: KIAA1549 (KIAA1549; minus strand). Cytogenetic location: 7q34.
Variant type: single nucleotide variant.
Coding change: c.630G>A on transcript NM_001164665.2 (MANE Select); coding-DNA position 630, G replaced by A.
Protein change: p.Ser210=; no amino-acid change (serine 210 retained).
Molecular consequence: synonymous variant.
Genome position (GRCh38, 1-based): chr7:138,918,996, C>T on the plus strand (G>A on the coding strand, the complement: KIAA1549 is on the minus strand). VCF-style: chr7-138918996-C-T. GRCh37 (hg19) VCF-style: chr7-138603742-C-T.
Other names: c.630G>A, p.Ser210= (NM_020910.3).
Identifiers: ClinVar variation 1455595 (VCV001455595.32), dbSNP rs372624833, ClinGen allele CA4506906.

ClinVar aggregate classification (germline): Conflicting classifications of pathogenicity. Review status: criteria provided, conflicting classifications (1 of 4 stars). 4 submissions from 4 submitters: Uncertain significance (1); Likely benign (3). Last evaluated 2025-10-03.

Conditions:
Retinal dystrophy. Also called: Inherited retinal dystrophy. Identifiers: Orphanet 71862, MedGen C0854723, MeSH D058499, MONDO:0019118, HP:0000556.

Allele frequency attached by ClinVar (database versions not stated): gnomAD 0.00024 and 0.00028; TOPMed 0.00027; 1000 Genomes Project 30x 0.00031; 1000 Genomes Project 0.00040; gnomAD exomes 0.00005 and 0.00009; ExAC 0.00009; ESP Exome Variant Server 0.00016.
gnomAD v4.1: 107 of 1,613,996 alleles (0.0066%); highest among the groups gnomAD compares: African/African-American, 0.08%; no homozygotes.

Submissions (4):

Labcorp Genetics (formerly Invitae), Labcorp
Classification: Likely benign. Last evaluated: 2025-10-03. Review status: criteria provided, single submitter. Criteria: Invitae Variant Classification Sherloc (09022015). Collection method: clinical testing. Allele origin: germline.

Dept Of Ophthalmology, Nagoya University
Classification: Uncertain significance for Retinal dystrophy. Last evaluated: 2023-10-01. Review status: criteria provided, single submitter. Criteria: Submitter's publication. Collection method: research. Allele origin: germline. Affected: yes.

CeGaT Center for Human Genetics Tuebingen
Classification: Likely benign. Last evaluated: 2022-07-01. Review status: criteria provided, single submitter. Criteria: CeGaT Center For Human Genetics Tuebingen Variant Classification Criteria Version 2. Collection method: clinical testing. Allele origin: germline. Affected: yes. Observed: 1 variant allele.
Comment: KIAA1549: BP4, BP7

Blueprint Genetics
Classification: Likely benign. Last evaluated: 2021-08-18. Review status: criteria provided, single submitter. Criteria: ACMG Guidelines, 2015. Collection method: clinical testing. Allele origin: germline.